The following is an entry in ClinVar:

ClinVar aggregate classification (germline): Benign (1 of 4 stars; one submission).

Conditions:
Leigh syndrome (NULS). Also called: Leigh's necrotizing encephalopathy; Leigh's disease; Leigh's syndrome; LEIGH SYNDROME, NUCLEAR; Leigh Syndrome (mtDNA deletion); Leigh Disease. Identifiers: Orphanet 506, MedGen C2931891, MONDO:0009723, OMIM 256000.

Submission:

Wong Mito Lab, Molecular and Human Genetics, Baylor College of Medicine
Classification: Benign for Leigh syndrome. Last evaluated: 2019-10-17. Review status: criteria provided, single submitter. Criteria: Modified ACMG Guidelines (Unpublished). Collection method: clinical testing. Allele origin: germline.
Comment: The NC_012920.1:m.13889G>A (YP_003024036.1:p.Cys518Tyr) variant in MTND5 gene is interpretated to be a Benign variant based on the modified ACMG guidelines (unpublished). This variant meets the following evidence codes: BS1, BS2, BP4

NC_012920.1(MT-ND5):m.13889G>A

Gene: MT-ND5 (mitochondrially encoded NADH dehydrogenase 5; plus strand).
Variant type: single nucleotide variant.
Genome position: chrM-13889-G-A.
Identifiers: ClinVar variation 693629 (VCV000693629.1), dbSNP rs1556424343, ClinGen allele CA414819954.